The following is an entry in ClinVar:

ClinVar aggregate classification (germline): Pathogenic. Review status: criteria provided, multiple submitters, no conflicts (2 of 4 stars). 6 submissions from 5 submitters: Pathogenic (3). 3 of the submissions do not count toward it. Last evaluated 2026-01-13.

Conditions:
HPRT1-related disorder. Also called: HPRT1-related disorders; HPRT1-related condition.
Lesch-Nyhan syndrome (LNS). Also called: HPRT DEFICIENCY, COMPLETE; Lesch-Nyhan Disease (LND). Identifiers: Orphanet 510, MedGen C0023374, MONDO:0010298, OMIM 300322.
Partial hypoxanthine-guanine phosphoribosyltransferase deficiency. Also called: HPRT1 DEFICIENCY, PARTIAL; GOUT, HPRT-RELATED; HPRT DEFICIENCY, PARTIAL; HYPOXANTHINE GUANINE PHOSPHORIBOSYLTRANSFERASE 1 DEFICIENCY, PARTIAL; Kelley-Seegmiller Syndrome. Identifiers: Orphanet 79233, MedGen C0268117, MONDO:0010299, OMIM 300323.
Lesch-nyhan syndrome, neurologic variant. Identifiers: MedGen C1845892.

Submissions (6):

Labcorp Genetics (formerly Invitae), Labcorp
Classification: Pathogenic for Lesch-Nyhan syndrome; Partial hypoxanthine-guanine phosphoribosyltransferase deficiency. Last evaluated: 2026-01-13. Review status: criteria provided, single submitter. Criteria: Invitae Variant Classification Sherloc (09022015). Collection method: clinical testing. Allele origin: germline.
Comment: This sequence change replaces arginine, which is basic and polar, with histidine, which is basic and polar, at codon 48 of the HPRT1 protein (p.Arg48His). This variant is not present in population databases (gnomAD no frequency). This missense change has been observed in individuals with HPRT1-related disease (PMID: 1301916, 10737990, 17454734, 20981450, 22157001, 22999896). ClinVar contains an entry for this variant (Variation ID: 29985). An algorithm developed to predict the effect of missense changes on protein structure and function (PolyPhen-2) suggests that this variant is likely to be tolerated. Experimental studies have shown that this missense change affects HPRT1 function (PMID: 20981450, 25481104). For these reasons, this variant has been classified as Pathogenic.

Women's Health and Genetics/Laboratory Corporation of America, LabCorp
Classification: Pathogenic for HPRT1-Related Disorders. Last evaluated: 2023-12-05. Review status: criteria provided, single submitter. Criteria: LabCorp Variant Classification Summary - May 2015. Collection method: clinical testing. Allele origin: germline.
Comment: Variant summary: HPRT1 c.143G>A (p.Arg48His) results in a non-conservative amino acid change located in the Phosphoribosyltransferase domain (IPR000836) of the encoded protein sequence. Five of five in-silico tools predict a damaging effect of the variant on protein function. The variant was absent in 183163 control chromosomes (gnomAD). c.143G>A has been reported in the literature in multiple individuals affected with HPRT1-Related Disorders (e.g., Sampat_2011). These data indicate that the variant is very likely to be associated with disease. At least one publication reports experimental evidence evaluating an impact on protein function, finding that the variant results in a reduced maximum rate of reaction in vitro and also leads to poor thermal stability (e.g., Sampat_2011). The following publication was ascertained in the context of this evaluation (PMID: 20981450). Three submitters have reported clinical-significance assessments for this variant to ClinVar after 2014. All submitters classified the variant as pathogenic. Based on the evidence outlined above, the variant was classified as pathogenic.

CeGaT Center for Human Genetics Tuebingen
Classification: Pathogenic. Last evaluated: 2017-11-01. Review status: criteria provided, single submitter. Criteria: CeGaT Center For Human Genetics Tuebingen Variant Classification Criteria Version 2. Collection method: clinical testing. Allele origin: germline. Affected: yes. Observed: 1 variant allele.

PreventionGenetics, part of Exact Sciences
Classification: Pathogenic for HPRT1-related condition. Last evaluated: 2024-03-04. Review status: no assertion criteria provided. Collection method: clinical testing. Allele origin: germline. Not counted in ClinVar's aggregate classification.
Comment: The HPRT1 c.143G>A variant is predicted to result in the amino acid substitution p.Arg48His. This variant has been reported in multiple individuals with hyperuricemia with or without neurological symptoms (see for example, Table 1, Sege-Peterson et al. 1992. PubMed ID: 1301916; Table 1, Sampat et al. 2010. PubMed ID: 20981450; Sapag et al. 2012. PubMed ID: 22999896). This variant has not been reported in a large population database, indicating this variant is rare. An in vitro experimental study suggests this variant impacts protein function (Figure 1, Sampat et al. 2010. PubMed ID: 20981450). This variant is interpreted as pathogenic.

OMIM
Classification: Pathogenic for LESCH-NYHAN SYNDROME, NEUROLOGIC VARIANT. Last evaluated: 2011-01-01. Review status: no assertion criteria provided. Collection method: literature only. Allele origin: germline. Not counted in ClinVar's aggregate classification.

OMIM
Classification: Pathogenic for HYPERURICEMIA, HPRT-RELATED. Last evaluated: 2011-01-01. Review status: no assertion criteria provided. Collection method: literature only. Allele origin: germline. Not counted in ClinVar's aggregate classification.

Literature cited by the submitters: PubMed 1301916 (cited by Labcorp Genetics (formerly Invitae), Labcorp); PubMed 10737990 (cited by Labcorp Genetics (formerly Invitae), Labcorp); PubMed 17454734 (cited by Labcorp Genetics (formerly Invitae), Labcorp); PubMed 20981450 (cited by 3 submitters); PubMed 22157001 (cited by Labcorp Genetics (formerly Invitae), Labcorp); PubMed 22999896 (cited by Labcorp Genetics (formerly Invitae), Labcorp); PubMed 25481104 (cited by Labcorp Genetics (formerly Invitae), Labcorp).

NM_000194.3(HPRT1):c.143G>A (p.Arg48His)

Gene: HPRT1 (hypoxanthine phosphoribosyltransferase 1; plus strand). Cytogenetic location: Xq26.2.
Variant type: single nucleotide variant.
Coding change: c.143G>A on transcript NM_000194.3 (MANE Select); coding-DNA position 143, G replaced by A.
Protein change: p.Arg48His; replaces arginine 48 with histidine.
Molecular consequence: missense variant.
Genome position (GRCh38, 1-based): chrX:134,475,189, G>A. VCF-style: chrX-134475189-G-A. GRCh37 (hg19) VCF-style: chrX-133609219-G-A.
Other names: short protein forms R48H.
Identifiers: ClinVar variation 29985 (VCV000029985.53), dbSNP rs387906725, ClinGen allele CA128815.
Genomic context (GRCh38, chrX:134,475,189, plus strand): 5'-TAAAGTTTAATGTATGAAACTTTCTATTAAATTCCTGATTTTATTTCTGTAGGACTGAAC[G>A]TCTTGCTCGAGATGTGATGAAGGAGATGGGAGGCCATCACATTGTAGCCCTCTGTGTGCT-3'
Protein context (NP_000185.1, residues 38-58): PHGLIMDRTE[Arg48His]LARDVMKEMG